The following is an entry in ClinVar:

NM_001048174.2(MUTYH):c.1015C>T (p.Pro339Ser)

Gene: MUTYH (mutY DNA glycosylase; minus strand). Cytogenetic location: 1p34.1.
Variant type: single nucleotide variant.
Coding change: c.1015C>T on transcript NM_001048174.2 (MANE Select); coding-DNA position 1015, C replaced by T.
Protein change: p.Pro339Ser; replaces proline 339 with serine.
Molecular consequence: missense variant. On other transcripts: non-coding transcript variant (7).
Genome position (GRCh38, 1-based): chr1:45,331,748, G>A on the plus strand (C>T on the coding strand, the complement: MUTYH is on the minus strand). VCF-style: chr1-45331748-G-A. GRCh37 (hg19) VCF-style: chr1-45797420-G-A.
Other names: c.1015C>T, p.Pro339Ser (NM_001048171.2, NM_001048173.2, NM_001293195.2 and 6 more transcripts); c.1018C>T, p.Pro340Ser (NM_001048172.2, NM_001407078.1, NM_001407086.1 and 1 more transcripts); c.1099C>T, p.Pro367Ser (NM_001128425.2); c.1060C>T, p.Pro354Ser (NM_001293190.2); c.1048C>T, p.Pro350Ser (NM_001293191.2, NM_001407069.1, NM_001407077.1); c.739C>T, p.Pro247Ser (NM_001293192.2, NM_001407091.1, NM_001293196.2); c.976C>T, p.Pro326Ser (NM_001407079.1); c.973C>T, p.Pro325Ser (NM_001407080.1); and 5 more; short protein forms P311S, P346S, P354S, P364S, P367S, P326S, P340S, P224S.
Identifiers: ClinVar variation 2587462 (VCV002587462.7), dbSNP rs876660262, ClinGen allele CA340133569.

ClinVar aggregate classification (germline): Conflicting classifications of pathogenicity. Review status: criteria provided, conflicting classifications (1 of 4 stars). 2 submissions from 2 submitters: Uncertain significance (1); Benign (1). Last evaluated 2025-09-09.

Conditions:
Familial adenomatous polyposis 2. Also called: ADENOMAS, MULTIPLE COLORECTAL, AUTOSOMAL RECESSIVE; MUTYH-associated polyposis; COLORECTAL ADENOMATOUS POLYPOSIS, AUTOSOMAL RECESSIVE; MUTYH Polyposis; MYH-associated polyposis; Adenomas, multiple colorectal. Identifiers: Orphanet 220460, Orphanet 247798, MedGen C3272841, MONDO:0012041, OMIM 608456.
Hereditary cancer-predisposing syndrome. Also called: Neoplastic Syndromes, Hereditary; Hereditary Cancer Syndrome; Tumor predisposition; Hereditary neoplastic syndrome. Identifiers: Orphanet 140162, MedGen C0027672, MeSH D009386, MONDO:0015356.

gnomAD v4.1: 2 of 1,614,140 alleles (0.00012%); highest among the groups gnomAD compares: Non-Finnish European, 0.00017%; no homozygotes.

Submissions (2):

Ambry Genetics
Classification: Benign for Hereditary cancer-predisposing syndrome. Last evaluated: 2025-09-09. Review status: criteria provided, single submitter. Criteria: Ambry Variant Classification Scheme 2023. Collection method: clinical testing. Allele origin: germline.

Labcorp Genetics (formerly Invitae), Labcorp
Classification: Uncertain significance for Familial adenomatous polyposis 2. Last evaluated: 2023-05-22. Review status: criteria provided, single submitter. Criteria: Invitae Variant Classification Sherloc (09022015). Collection method: clinical testing. Allele origin: germline.
Comment: This sequence change replaces proline, which is neutral and non-polar, with serine, which is neutral and polar, at codon 367 of the MUTYH protein (p.Pro367Ser). This variant is not present in population databases (gnomAD no frequency). This variant has not been reported in the literature in individuals affected with MUTYH-related conditions. An algorithm developed to predict the effect of missense changes on protein structure and function (PolyPhen-2) suggests that this variant is likely to be tolerated. In summary, the available evidence is currently insufficient to determine the role of this variant in disease. Therefore, it has been classified as a Variant of Uncertain Significance.

Literature cited by the submitters: PubMed 40738107 (cited by Ambry Genetics).